The following is an entry in ClinVar:

ClinVar aggregate classification (germline): Uncertain significance (1 of 4 stars; one submission).

gnomAD v4.1: 1 of 1,608,088 alleles (0.000062%); highest among the groups gnomAD compares: South Asian, 0.0011%; no homozygotes.

Submission:

Labcorp Genetics (formerly Invitae), Labcorp
Classification: Uncertain significance. Last evaluated: 2022-03-20. Review status: criteria provided, single submitter. Criteria: Invitae Variant Classification Sherloc (09022015). Collection method: clinical testing. Allele origin: germline.
Comment: This variant is not present in population databases (gnomAD no frequency). This sequence change replaces glycine, which is neutral and non-polar, with valine, which is neutral and non-polar, at codon 235 of the COQ2 protein (p.Gly235Val). This variant has not been reported in the literature in individuals affected with COQ2-related conditions. In summary, the available evidence is currently insufficient to determine the role of this variant in disease. Therefore, it has been classified as a Variant of Uncertain Significance. Algorithms developed to predict the effect of sequence changes on RNA splicing suggest that this variant may disrupt the consensus splice site. Algorithms developed to predict the effect of missense changes on protein structure and function (SIFT, PolyPhen-2, Align-GVGD) all suggest that this variant is likely to be disruptive.

NM_001358921.2(COQ2):c.554G>T (p.Gly185Val)

Gene: COQ2 (coenzyme Q2, polyprenyltransferase; minus strand). Cytogenetic location: 4q21.23.
Variant type: single nucleotide variant.
Coding change: c.554G>T on transcript NM_001358921.2 (MANE Select); coding-DNA position 554, G replaced by T.
Protein change: p.Gly185Val; replaces glycine 185 with valine.
Molecular consequence: missense variant.
Genome position (GRCh38, 1-based): chr4:83,272,161, C>A on the plus strand (G>T on the coding strand, the complement: COQ2 is on the minus strand). VCF-style: chr4-83272161-C-A. GRCh37 (hg19) VCF-style: chr4-84193314-C-A.
Other names: c.704G>T, p.Gly235Val (NM_015697.9); short protein forms G185V, G235V.
Identifiers: ClinVar variation 2115393 (VCV002115393.4), dbSNP rs2529759070, ClinGen allele CA357230099.
Genomic context (GRCh38, chr4:83,272,161, plus strand): 5'-GGCCAGTATGAAATTCTTTTCATTAGTGGGTAGGTGATGACAAGAAGTAAGGATCCTGCT[C>A]CCAGAGCTATACTGAAAAGAGGAAAAACCATTAAAGTGATTATTACCACTACCTCTTAGA-3'
Protein context (NP_001345850.1, residues 175-195): LCLNYYSIAL[Gly185Val]AGSLLLVITY